The following is an entry in ClinVar:

NM_006922.4(SCN3A):c.4518A>C (p.Lys1506Asn)

Gene: SCN3A (sodium voltage-gated channel alpha subunit 3; minus strand). Cytogenetic location: 2q24.3.
Variant type: single nucleotide variant.
Coding change: c.4518A>C on transcript NM_006922.4 (MANE Select); coding-DNA position 4518, A replaced by C.
Protein change: p.Lys1506Asn; replaces lysine 1506 with asparagine.
Molecular consequence: missense variant.
Genome position (GRCh38, 1-based): chr2:165,094,392, T>G on the plus strand (A>C on the coding strand, the complement: SCN3A is on the minus strand). VCF-style: chr2-165094392-T-G. GRCh37 (hg19) VCF-style: chr2-165950902-T-G.
Other names: c.4371A>C, p.Lys1457Asn (NM_001081676.2, NM_001081677.2); short protein forms K1457N, K1506N.
Identifiers: ClinVar variation 3067170 (VCV003067170.2), dbSNP rs2468054921, ClinGen allele CA349020084.

Conditions:
Developmental and epileptic encephalopathy. Identifiers: MedGen C5779964, MONDO:0100620.

Submission:

Channelopathy-Associated Epilepsy Research Center
No classification provided (evidence only). Condition: Developmental and epileptic encephalopathy. Review status: no classification provided. Collection method: literature only. Allele origin: not applicable. Functional consequence: Severe decrease in peak current, Overall loss-of-function.
ClinVar note: "not provided" was previously submitted as the classification for the variant. However, the classification appeared to be based only on an observation of functional data so it was converted to no classification on 2025-07-30.

Literature cited by the submitters: PubMed 32515017.